The following is an entry in ClinVar:

ClinVar aggregate classification (germline): Likely benign (1 of 4 stars; one submission).

Allele frequency attached by ClinVar (database versions not stated): gnomAD 0.00002; TOPMed 0.00002.
gnomAD v4.1: 40 of 1,602,532 alleles (0.0025%); highest among the groups gnomAD compares: Admixed American, 0.012%; no homozygotes.

Submission:

CeGaT Center for Human Genetics Tuebingen
Classification: Likely benign. Last evaluated: 2022-12-01. Review status: criteria provided, single submitter. Criteria: CeGaT Center For Human Genetics Tuebingen Variant Classification Criteria Version 2. Collection method: clinical testing. Allele origin: germline. Affected: yes. Observed: 1 variant allele.
Comment: TCF7L2: BP4, BP7

NM_001367943.1(TCF7L2):c.1776G>A (p.Pro592=)

Gene: TCF7L2 (transcription factor 7 like 2; plus strand). Cytogenetic location: 10q25.3.
Variant type: single nucleotide variant.
Coding change: c.1776G>A on transcript NM_001367943.1 (MANE Select); coding-DNA position 1776, G replaced by A.
Protein change: p.Pro592=; no amino-acid change (proline 592 retained).
Molecular consequence: synonymous variant. On other transcripts: 3 prime UTR variant (12).
Genome position (GRCh38, 1-based): chr10:113,165,888, G>A. VCF-style: chr10-113165888-G-A. GRCh37 (hg19) VCF-style: chr10-114925647-G-A.
Other names: c.1725G>A, p.Pro575= (NM_001146274.2); c.*254G>A (NM_001146283.2, NM_001146284.2, NM_001146286.2 and 4 more transcripts); c.1656G>A, p.Pro552= (NM_001146285.2, NM_001198526.2); c.*364G>A (NM_001198525.2); c.*352G>A (NM_001198527.2, NM_001198528.2, NM_001349870.2 and 1 more transcripts); c.1707G>A, p.Pro569= (NM_030756.5).
Identifiers: ClinVar variation 2640845 (VCV002640845.24), dbSNP rs748602828, ClinGen allele CA5693358.